The following is an entry in ClinVar:

ClinVar aggregate classification (germline): Uncertain significance (1 of 4 stars; one submission).

Conditions:
Weaver syndrome (WVS). Also called: Weaver Smith syndrome; Overgrowth syndrome with accelerated skeletal maturation, unusual facies, and camptodactyly. Identifiers: Orphanet 3447, MedGen C0265210, MONDO:0010193, OMIM 277590.

Submission:

Labcorp Genetics (formerly Invitae), Labcorp
Classification: Uncertain significance for Weaver syndrome. Last evaluated: 2024-10-17. Review status: criteria provided, single submitter. Criteria: Invitae Variant Classification Sherloc (09022015). Collection method: clinical testing. Allele origin: germline.
Comment: This sequence change replaces glutamic acid, which is acidic and polar, with glutamine, which is neutral and polar, at codon 401 of the EZH2 protein (p.Glu401Gln). This variant is not present in population databases (gnomAD no frequency). This variant has not been reported in the literature in individuals affected with EZH2-related conditions. ClinVar contains an entry for this variant (Variation ID: 1353174). Invitae Evidence Modeling of protein sequence and biophysical properties (such as structural, functional, and spatial information, amino acid conservation, physicochemical variation, residue mobility, and thermodynamic stability) indicates that this missense variant is not expected to disrupt EZH2 protein function with a negative predictive value of 95%. In summary, the available evidence is currently insufficient to determine the role of this variant in disease. Therefore, it has been classified as a Variant of Uncertain Significance.

NM_004456.5(EZH2):c.1201G>C (p.Glu401Gln)

Gene: EZH2 (enhancer of zeste 2 polycomb repressive complex 2 subunit; minus strand). Cytogenetic location: 7q36.1.
Variant type: single nucleotide variant.
Coding change: c.1201G>C on transcript NM_004456.5 (MANE Select); coding-DNA position 1201, G replaced by C.
Protein change: p.Glu401Gln; replaces glutamic acid 401 with glutamine.
Molecular consequence: missense variant.
Genome position (GRCh38, 1-based): chr7:148,817,916, C>G on the plus strand (G>C on the coding strand, the complement: EZH2 is on the minus strand). VCF-style: chr7-148817916-C-G. GRCh37 (hg19) VCF-style: chr7-148515008-C-G.
Other names: c.1186G>C, p.Glu396Gln (NM_001203247.2); c.1159G>C, p.Glu387Gln (NM_001203248.2, NM_001203249.2); c.1069G>C, p.Glu357Gln (NM_152998.3); short protein forms E357Q, E387Q, E401Q, E396Q.
Identifiers: ClinVar variation 1353174 (VCV001353174.8), dbSNP rs1805019052, ClinGen allele CA369716036.